The following is an entry in ClinVar:

NM_004064.5(CDKN1B):c.430T>A (p.Leu144Ile)

Gene: CDKN1B (cyclin dependent kinase inhibitor 1B; plus strand). Cytogenetic location: 12p13.1.
Variant type: single nucleotide variant.
Coding change: c.430T>A on transcript NM_004064.5 (MANE Select); coding-DNA position 430, T replaced by A.
Protein change: p.Leu144Ile; replaces leucine 144 with isoleucine.
Molecular consequence: missense variant.
Genome position (GRCh38, 1-based): chr12:12,718,269, T>A. VCF-style: chr12-12718269-T-A. GRCh37 (hg19) VCF-style: chr12-12871203-T-A.
Other names: short protein forms L144I.
Identifiers: ClinVar variation 1009926 (VCV001009926.8), dbSNP rs1946499193, ClinGen allele CA383970743.

ClinVar aggregate classification (germline): Uncertain significance (1 of 4 stars; one submission).

Conditions:
Multiple endocrine neoplasia type 4. Also called: MULTIPLE ENDOCRINE NEOPLASIA, TYPE IV. Identifiers: Orphanet 276152, MedGen C1970712, MONDO:0012552, OMIM 610755.

Submission:

Labcorp Genetics (formerly Invitae), Labcorp
Classification: Uncertain significance for Multiple endocrine neoplasia type 4. Last evaluated: 2025-09-20. Review status: criteria provided, single submitter. Criteria: Invitae Variant Classification Sherloc (09022015). Collection method: clinical testing. Allele origin: germline.
Comment: This sequence change replaces leucine, which is neutral and non-polar, with isoleucine, which is neutral and non-polar, at codon 144 of the CDKN1B protein (p.Leu144Ile). This variant is not present in population databases (gnomAD no frequency). This variant has not been reported in the literature in individuals affected with CDKN1B-related conditions. ClinVar contains an entry for this variant (Variation ID: 1009926). An algorithm developed to predict the effect of missense changes on protein structure and function (PolyPhen-2) suggests that this variant is likely to be tolerated. In summary, the available evidence is currently insufficient to determine the role of this variant in disease. Therefore, it has been classified as a Variant of Uncertain Significance.